The following is an entry in ClinVar:

ClinVar aggregate classification (germline): Conflicting classifications of pathogenicity. Review status: criteria provided, conflicting classifications (1 of 4 stars). 5 submissions from 5 submitters: Uncertain significance (2); Benign (1); Likely benign (2). Last evaluated 2025-12-01.

Conditions:
STAT3-related early-onset multisystem autoimmune disease. Also called: Autoimmune disease, multisystem, infantile-onset, 1. Identifiers: Orphanet 438159, MedGen C4014795, MONDO:0014414, OMIM 615952.
STAT3 gain of function. Identifiers: MedGen C4288261.
Hyper-IgE recurrent infection syndrome 1, autosomal dominant. Also called: Job's Syndrome; JOB SYNDROME; STAT3 Hyper IgE Syndrome; Hyper-IgE recurrent infection syndrome 1; HYPER-IgE SYNDROME 1, AUTOSOMAL DOMINANT, WITH RECURRENT INFECTIONS. Identifiers: Orphanet 2314, MedGen C2936739, MONDO:0007818, OMIM 147060.

Allele frequency attached by ClinVar (database versions not stated): gnomAD 0.00001 and 0.00009; TOPMed 0.00002; gnomAD exomes 0.00016 and 0.00036; 1000 Genomes Project 30x 0.00031; ExAC 0.00039; 1000 Genomes Project 0.00040.
gnomAD v4.1: 243 of 1,613,978 alleles (0.015%); highest among the groups gnomAD compares: South Asian, 0.23%; 3 homozygotes.

Submissions (5):

CeGaT Center for Human Genetics Tuebingen
Classification: Benign. Last evaluated: 2025-12-01. Review status: criteria provided, single submitter. Criteria: CeGaT Center For Human Genetics Tuebingen Variant Classification Criteria Version 2. Collection method: clinical testing. Allele origin: germline. Affected: yes. Observed: 3 variant alleles.
Comment: STAT3: PP2, BS1, BS2

Labcorp Genetics (formerly Invitae), Labcorp
Classification: Likely benign for STAT3 gain of function; Hyper-IgE recurrent infection syndrome 1, autosomal dominant. Last evaluated: 2025-07-15. Review status: criteria provided, single submitter. Criteria: Invitae Variant Classification Sherloc (09022015). Collection method: clinical testing. Allele origin: germline.

Blueprint Genetics
Classification: Likely benign. Last evaluated: 2024-09-16. Review status: criteria provided, single submitter. Criteria: ACMG Guidelines, 2015. Collection method: clinical testing. Allele origin: germline.

Centre for Mendelian Genomics, University Medical Centre Ljubljana
Classification: Uncertain significance for STAT3-related early-onset multisystem autoimmune disease. Last evaluated: 2019-10-27. Review status: criteria provided, single submitter. Criteria: ACMG Guidelines, 2015. Collection method: clinical testing. Allele origin: unknown. Affected: yes.
Comment: This variant was classified as: Uncertain significance. The available evidence on this variant's pathogenicity is insufficient or conflicting. The following ACMG criteria were applied in classifying this variant: No criteria apply.

Genetic Services Laboratory, University of Chicago
Classification: Uncertain significance. Last evaluated: 2019-10-11. Review status: criteria provided, single submitter. Criteria: ACMG Guidelines, 2015. Collection method: clinical testing. Allele origin: germline. Affected: no.

NM_139276.3(STAT3):c.373C>G (p.Gln125Glu)

Gene: STAT3 (signal transducer and activator of transcription 3; minus strand). Cytogenetic location: 17q21.2.
Variant type: single nucleotide variant.
Coding change: c.373C>G on transcript NM_139276.3 (MANE Select); coding-DNA position 373, C replaced by G.
Protein change: p.Gln125Glu; replaces glutamine 125 with glutamic acid.
Molecular consequence: missense variant. On other transcripts: intron variant (1).
Genome position (GRCh38, 1-based): chr17:42,339,409, G>C on the plus strand (C>G on the coding strand, the complement: STAT3 is on the minus strand). VCF-style: chr17-42339409-G-C. GRCh37 (hg19) VCF-style: chr17-40491427-G-C.
Other names: c.373C>G, p.Gln125Glu (NM_001369512.1, NM_001369513.1, NM_001369514.1 and 15 more transcripts); c.295C>G, p.Gln99Glu (NM_001384985.1); c.373-597C>G (NM_001384989.1); short protein forms Q125E, Q99E.
Identifiers: ClinVar variation 546794 (VCV000546794.57), dbSNP rs574370336, ClinGen allele CA8575646.